The following is an entry in ClinVar:

ClinVar aggregate classification (germline): Uncertain significance. Review status: criteria provided, multiple submitters, no conflicts (2 of 4 stars). 2 submissions from 2 submitters: Uncertain significance (2). Last evaluated 2024-05-08.

Allele frequency attached by ClinVar (database versions not stated): gnomAD exomes below 0.00001; gnomAD 0.00001; TOPMed 0.00001.
gnomAD v4.1: 5 of 1,614,004 alleles (0.00031%); highest among the groups gnomAD compares: Admixed American, 0.0033%; no homozygotes.

Submissions (2):

Ambry Genetics
Classification: Uncertain significance. Last evaluated: 2024-05-08. Review status: criteria provided, single submitter. Criteria: Ambry Variant Classification Scheme 2023. Collection method: clinical testing. Allele origin: germline.

Labcorp Genetics (formerly Invitae), Labcorp
Classification: Uncertain significance. Last evaluated: 2023-10-03. Review status: criteria provided, single submitter. Criteria: Invitae Variant Classification Sherloc (09022015). Collection method: clinical testing. Allele origin: germline.
Comment: This sequence change replaces tyrosine, which is neutral and polar, with cysteine, which is neutral and slightly polar, at codon 57 of the NDUFB10 protein (p.Tyr57Cys). This variant is present in population databases (no rsID available, gnomAD 0.006%). This variant has not been reported in the literature in individuals affected with NDUFB10-related conditions. ClinVar contains an entry for this variant (Variation ID: 2179618). An algorithm developed to predict the effect of missense changes on protein structure and function (PolyPhen-2) suggests that this variant is likely to be disruptive. In summary, the available evidence is currently insufficient to determine the role of this variant in disease. Therefore, it has been classified as a Variant of Uncertain Significance.

NM_004548.3(NDUFB10):c.170A>G (p.Tyr57Cys)

Gene: NDUFB10 (NADH:ubiquinone oxidoreductase subunit B10; plus strand). Cytogenetic location: 16p13.3.
Variant type: single nucleotide variant.
Coding change: c.170A>G on transcript NM_004548.3 (MANE Select); coding-DNA position 170, A replaced by G.
Protein change: p.Tyr57Cys; replaces tyrosine 57 with cysteine.
Molecular consequence: missense variant.
Genome position (GRCh38, 1-based): chr16:1,961,192, A>G. VCF-style: chr16-1961192-A-G. GRCh37 (hg19) VCF-style: chr16-2011193-A-G.
Other names: c.170A>G (NM_004548.2); short protein forms Y57C.
Identifiers: ClinVar variation 2179618 (VCV002179618.5), dbSNP rs1356753515, ClinGen allele CA394263230.